The following is an entry in ClinVar:

ClinVar aggregate classification (germline): Pathogenic. Review status: reviewed by expert panel (3 of 4 stars). 2 submissions from 2 submitters: Pathogenic (1). 1 of the submissions does not count toward it. Last evaluated 2024-08-28.

Conditions:
Hereditary thrombocytopenia and hematologic cancer predisposition syndrome. Identifiers: Orphanet 71290, MedGen CN281654, MONDO:0011071.
Hereditary thrombocytopenia and hematological cancer predisposition syndrome associated with RUNX1. Also called: Familial Platelet Disorder with Propensity to Acute Myelogenous Leukemia; Familial thrombocytopenia with propensity to acute myelogenous leukemia; PLATELET DISORDER, ASPIRIN-LIKE; RUNX1 Familial Platelet Disorder with Associated Myeloid Malignancies. Identifiers: Orphanet 71290, MedGen C1832388, MeSH C563324, MONDO:0100083, OMIM 601399.

Submissions (2):

ClinGen Myeloid Malignancy Variant Curation Expert Panel
Classification: Pathogenic for Hereditary thrombocytopenia and hematologic cancer predisposition syndrome. Last evaluated: 2024-08-28. Review status: reviewed by expert panel. Criteria: ClinGen MyeloMalig ACMG Specifications v2. Collection method: curation. Allele origin: germline. Inheritance: Autosomal dominant inheritance.
Comment: NM_001754.5(RUNX1):c.656_674del (p.Leu219SerfsTer12) is a frameshift variant which is predicted to undergo nonsense mediated decay in a gene in which loss-of-function is an established mechanism (frameshift (-) c.98-c.758 as per VCEP specifications) (PVS1). This variant is completely absent from all population databases with at least 20x coverage for RUNX1 (PM2_Supporting). This variant is a nonsense/frameshift variants that is downstream of c.98 (PM5_Supporting). In summary, this variant meets criteria to be classified as pathogenic. ACMG/AMP criteria applied, as specified by the Myeloid Malignancy Variant Curation Expert Panel for RUNX1: PM2_supporting, PVS1, PM5_supporting.

Labcorp Genetics (formerly Invitae), Labcorp
Classification: Pathogenic for Hereditary thrombocytopenia and hematological cancer predisposition syndrome associated with RUNX1. Last evaluated: 2023-05-15. Review status: criteria provided, single submitter. Criteria: Invitae Variant Classification Sherloc (09022015). Collection method: clinical testing. Allele origin: germline. Not counted in ClinVar's aggregate classification.
Comment: For these reasons, this variant has been classified as Pathogenic. This variant has not been reported in the literature in individuals affected with RUNX1-related conditions. This variant is not present in population databases (gnomAD no frequency). This sequence change creates a premature translational stop signal (p.Leu219Serfs*12) in the RUNX1 gene. It is expected to result in an absent or disrupted protein product. Loss-of-function variants in RUNX1 are known to be pathogenic (PMID: 18723428, 24100448).

Literature cited by the submitters: PubMed 18723428 (cited by Labcorp Genetics (formerly Invitae), Labcorp); PubMed 24100448 (cited by Labcorp Genetics (formerly Invitae), Labcorp).

NM_001754.5(RUNX1):c.656_674del (p.Leu219fs)

Gene: RUNX1 (RUNX family transcription factor 1; minus strand). Cytogenetic location: 21q22.12.
Variant type: Deletion.
Coding change: c.656_674del on transcript NM_001754.5 (MANE Select); coding-DNA positions 656 to 674, 19 bases deleted (TGTCCTTTTCCGAGCGGCT).
Protein change: p.Leu219fs; shifts the reading frame from leucine 219.
Molecular consequence: frameshift variant.
Genome position (GRCh38, 1-based): chr21:34,834,541-34,834,559, AGCCGCTCGGAAAAGGACA deleted on the plus strand (TGTCCTTTTCCGAGCGGCT on the coding strand, the reverse complement: RUNX1 is on the minus strand); deleting any 19 consecutive bases within chr21:34,834,541-34,834,562 gives the same sequence; the c. name uses the placement nearest the transcript's 3' end. VCF-style (leftmost placement, unchanged base first): chr21-34834540-GAGCCGCTCGGAAAAGGACA-G. GRCh37 (hg19) VCF-style: chr21-36206837-GAGCCGCTCGGAAAAGGACA-G.
Other names: NM_001754.5(RUNX1):c.656_674del; p.Leu219fs; c.575_593del, p.Leu192fs (NM_001001890.3, NM_001122607.2); short protein forms L219fs, L192fs.
Identifiers: ClinVar variation 2839411 (VCV002839411.4), dbSNP rs2517040954, ClinGen allele CA2739267609.